The following is an entry in ClinVar:

NM_000256.3(MYBPC3):c.3665del (p.Gly1222fs)

Gene: MYBPC3 (myosin binding protein C3; minus strand). Cytogenetic location: 11p11.2.
Variant type: Deletion.
Coding change: c.3665del on transcript NM_000256.3 (MANE Select); coding-DNA position 3665, one base deleted (G; older notation c.3665delG).
Protein change: p.Gly1222fs; shifts the reading frame from glycine 1222.
Molecular consequence: frameshift variant.
Genome position (GRCh38, 1-based): chr11:47,332,221, C deleted on the plus strand (G on the coding strand, the reverse complement: MYBPC3 is on the minus strand); the first of 3 consecutive C bases (chr11:47,332,221-47,332,223); deleting any one gives the same sequence. VCF-style (leftmost placement, unchanged base first): chr11-47332220-TC-T. GRCh37 (hg19) VCF-style: chr11-47353771-TC-T.
Other names: c.3665del, p.Gly1222fs (LRG_386t1); c.3665delG (NM_000256.3); short protein forms G1222fs.
Identifiers: ClinVar variation 407321 (VCV000407321.6), dbSNP rs1060501480, ClinGen allele CA16613340.

ClinVar aggregate classification (germline): Pathogenic (1 of 4 stars; one submission).

Conditions:
Hypertrophic cardiomyopathy. Also called: HYPERTROPHIC MYOCARDIOPATHY. Identifiers: Orphanet 217569, MedGen C0007194, MeSH D002312, MONDO:0005045, HP:0001639.

Submission:

Labcorp Genetics (formerly Invitae), Labcorp
Classification: Pathogenic for Hypertrophic cardiomyopathy. Last evaluated: 2016-09-26. Review status: criteria provided, single submitter. Criteria: Invitae Variant Classification Sherloc (09022015). Collection method: clinical testing. Allele origin: germline.
Comment: For these reasons, this variant has been classified as Pathogenic. While this particular variant has not been reported in the literature, loss-of-function variants in MYBPC3 are known to be pathogenic ( PMID: 19574547)). This sequence change deletes 1 nucleotide from exon 33 of the MYBPC3 mRNA (c.3665delG), causing a frameshift at codon 1222. This creates a premature translational stop signal (p.Gly1222Glufs*15) and is expected to result in an absent or disrupted protein product.